The following is an entry in ClinVar:

NM_000141.5(FGFR2):c.-626C>A

Gene: FGFR2 (fibroblast growth factor receptor 2; minus strand). Cytogenetic location: 10q26.13.
Variant type: single nucleotide variant.
Coding change: c.-626C>A on transcript NM_000141.5 (MANE Select); 626 bases upstream of the start codon, C replaced by A.
Molecular consequence: 5 prime UTR variant. On other transcripts: non-coding transcript variant (1).
Genome position (GRCh38, 1-based): chr10:121,598,437, G>T on the plus strand (C>A on the coding strand, the complement: FGFR2 is on the minus strand). VCF-style: chr10-121598437-G-T. GRCh37 (hg19) VCF-style: chr10-123357951-G-T.
Other names: c.-626C>A (NM_001144917.2, NM_001144918.2, NM_001144919.2 and 2 more transcripts).
Identifiers: ClinVar variation 877152 (VCV000877152.4), dbSNP rs549524538, ClinGen allele CA214327357.

ClinVar aggregate classification (germline): Conflicting classifications of pathogenicity. Review status: criteria provided, conflicting classifications (1 of 4 stars). 5 submissions from 1 submitter: Uncertain significance (1); Benign (4). Last evaluated 2018-01-13.

Conditions:
Isolated Coronal Synostosis. Identifiers: MedGen CN043619.
Beare-Stevenson cutis gyrata syndrome (BSTVS). Identifiers: Orphanet 1555, MedGen C1852406, MONDO:0007412, OMIM 123790.
Crouzon syndrome. Also called: Craniofacial dysostosis type 1; Crouzon craniofacial dysostosis; Crouzon disease; Craniofacial dysostosis; CRANIOFACIAL DYSOSTOSIS, TYPE I. Identifiers: Orphanet 207, MedGen C0010273, MeSH D003394, MONDO:0007405, OMIM 123500, HP:0004439.
Saethre-Chotzen syndrome (SCS). Also called: ACROCEPHALY, SKULL ASYMMETRY, AND MILD SYNDACTYLY; ACS III; CHOTZEN SYNDROME. Identifiers: Orphanet 794, MedGen C0175699, MONDO:0007042, OMIM 101400.
Craniosynostosis syndrome. Also called: Craniosynostosis. Identifiers: Orphanet 1531, MedGen C0010278, MeSH D003398, MONDO:0015469, HP:0001363.

Allele frequency attached by ClinVar (database versions not stated): TOPMed 0.00029; 1000 Genomes Project 0.00060; 1000 Genomes Project 30x 0.00094.
gnomAD v4.1: 72 of 158,656 alleles (0.045%); highest among the groups gnomAD compares: South Asian, 0.57%; no homozygotes.

Submissions (5):

Illumina Laboratory Services, Illumina
Classification: Benign for Saethre-Chotzen syndrome. Last evaluated: 2018-01-13. Review status: criteria provided, single submitter. Criteria: ICSL Variant Classification Criteria 13 December 2019. Collection method: clinical testing. Allele origin: germline.
Comment: This variant was observed in the ICSL laboratory as part of a predisposition screen in an ostensibly healthy population. It had not been previously curated by ICSL or reported in the Human Gene Mutation Database (HGMD: prior to June 1st, 2018), and was therefore a candidate for classification through an automated scoring system. Utilizing variant allele frequency, disease prevalence and penetrance estimates, and inheritance mode, an automated score was calculated to assess if this variant is too frequent to cause the disease. Based on the score and internal cut-off values, a variant classified as benign is not then subjected to further curation. The score for this variant resulted in a classification of benign for this disease.

Illumina Laboratory Services, Illumina
Classification: Benign for Crouzon syndrome. Last evaluated: 2018-01-13. Review status: criteria provided, single submitter. Criteria: ICSL Variant Classification Criteria 13 December 2019. Collection method: clinical testing. Allele origin: germline.
Comment: the same text as in the submission from Illumina Laboratory Services, Illumina above.

Illumina Laboratory Services, Illumina
Classification: Benign for Beare-Stevenson cutis gyrata syndrome. Last evaluated: 2018-01-13. Review status: criteria provided, single submitter. Criteria: ICSL Variant Classification Criteria 13 December 2019. Collection method: clinical testing. Allele origin: germline.
Comment: the same text as in the submission from Illumina Laboratory Services, Illumina above.

Illumina Laboratory Services, Illumina
Classification: Uncertain significance for Isolated coronal synostosis. Last evaluated: 2018-01-13. Review status: criteria provided, single submitter. Criteria: ICSL Variant Classification Criteria 13 December 2019. Collection method: clinical testing. Allele origin: germline.

Illumina Laboratory Services, Illumina
Classification: Benign for Craniosynostosis. Last evaluated: 2018-01-13. Review status: criteria provided, single submitter. Criteria: ICSL Variant Classification Criteria 13 December 2019. Collection method: clinical testing. Allele origin: germline.
Comment: the same text as in the submission from Illumina Laboratory Services, Illumina above.